The following is an entry in ClinVar:

ClinVar aggregate classification (germline): Benign/Likely benign. Review status: criteria provided, multiple submitters, no conflicts (2 of 4 stars). 3 submissions from 3 submitters: Benign (2); Likely benign (1). Last evaluated 2026-01-27.

Conditions:
Long QT syndrome (LQTS). Identifiers: MedGen C0023976, MeSH D008133, MONDO:0002442. Disease mechanism: loss of function. Inheritance: Various modes of inheritance.

Allele frequency attached by ClinVar (database versions not stated): gnomAD exomes 0.00008 and 0.00012; ExAC 0.00014; 1000 Genomes Project 30x 0.00031; ESP Exome Variant Server 0.00032; TOPMed 0.00033; gnomAD 0.00035; 1000 Genomes Project 0.00040.
gnomAD v4.1: 178 of 1,584,618 alleles (0.011%); highest among the groups gnomAD compares: African/African-American, 0.085%; no homozygotes.

Submissions (3):

Labcorp Genetics (formerly Invitae), Labcorp
Classification: Benign for Long QT syndrome. Last evaluated: 2026-01-27. Review status: criteria provided, single submitter. Criteria: Invitae Variant Classification Sherloc (09022015). Collection method: clinical testing. Allele origin: germline.

Blueprint Genetics
Classification: Likely benign. Last evaluated: 2024-11-13. Review status: criteria provided, single submitter. Criteria: ACMG Guidelines, 2015. Collection method: clinical testing. Allele origin: germline.

Women's Health and Genetics/Laboratory Corporation of America, LabCorp
Classification: Benign. Last evaluated: 2019-10-22. Review status: criteria provided, single submitter. Criteria: LabCorp Variant Classification Summary - May 2015. Collection method: clinical testing. Allele origin: germline.
Comment: Variant summary: CACNA1C c.1390+11G>A alters a nucleotide located close to a canonical splice site and therefore could affect mRNA splicing, leading to a significantly altered protein sequence. 5/5 computational tools predict no significant impact on normal splicing. However, these predictions have yet to be confirmed by functional studies. The variant allele was found at a frequency of 0.00012 in 201632 control chromosomes, predominantly at a frequency of 0.00085 within the African or African-American subpopulation in the gnomAD database. The observed variant frequency within African or African-American control individuals in the gnomAD database is approximately 85 fold of the estimated maximal expected allele frequency for a pathogenic variant in CACNA1C causing Arrhythmia phenotype (1e-05), strongly suggesting that the variant is a benign polymorphism found primarily in populations of African or African-American origin. To our knowledge, no occurrence of c.1390+11G>A in individuals affected with Arrhythmia and no experimental evidence demonstrating its impact on protein function have been reported. No clinical diagnostic laboratories have submitted clinical-significance assessments for this variant to ClinVar after 2014. Based on the evidence outlined above, the variant was classified as benign.

NM_000719.7(CACNA1C):c.1390+11G>A

Gene: CACNA1C (calcium voltage-gated channel subunit alpha1 C; plus strand). Cytogenetic location: 12p13.33.
Variant type: single nucleotide variant.
Coding change: c.1390+11G>A on transcript NM_000719.7 (MANE Select); 11 bases into the intron after coding-DNA position 1390, G replaced by A.
Molecular consequence: intron variant.
Genome position (GRCh38, 1-based): chr12:2,512,995, G>A. VCF-style: chr12-2512995-G-A. GRCh37 (hg19) VCF-style: chr12-2622161-G-A.
Other names: c.1390+11G>A (NM_001167624.3, NM_001167623.2, NM_001167625.2 and 18 more transcripts); c.1381+11G>A (NM_001129844.2).
Identifiers: ClinVar variation 928557 (VCV000928557.10), dbSNP rs376570105, ClinGen allele CA6388693.